The following is an entry in ClinVar:

ClinVar aggregate classification (germline): Uncertain significance (1 of 4 stars; one submission).

Conditions:
Cardiovascular phenotype. Identifiers: MedGen CN230736.

Submission:

Ambry Genetics
Classification: Uncertain significance for Cardiovascular phenotype. Last evaluated: 2025-10-23. Review status: criteria provided, single submitter. Criteria: Ambry Variant Classification Scheme 2023. Collection method: clinical testing. Allele origin: germline.
Comment: The p.E1092* variant (also known as c.3274G>T), located in coding exon 15 of the DSG2 gene, results from a G to T substitution at nucleotide position 3274. This changes the amino acid from a glutamic acid to a stop codon within coding exon 15. This alteration occurs at the 3' terminus of the gene, is not expected to trigger nonsense-mediated mRNAdecay, and impacts the last 2.4% of the protein. The exact functional effect of this alteration is unknown. Based on the available evidence, the clinical significance of this variant remains unclear.

NM_001943.5(DSG2):c.3274G>T (p.Glu1092Ter)

Genes: DSG2 (desmoglein 2; plus strand), DSG2-AS1 (DSG2 antisense RNA 1; minus strand). Cytogenetic location: 18q12.1.
Variant type: single nucleotide variant.
Coding change: c.3274G>T on transcript NM_001943.5 (MANE Select); coding-DNA position 3274, G replaced by T.
Protein change: p.Glu1092Ter; replaces glutamic acid 1092 with a stop codon.
Molecular consequence: nonsense.
Genome position (GRCh38, 1-based): chr18:31,546,660, G>T. VCF-style: chr18-31546660-G-T. GRCh37 (hg19) VCF-style: chr18-29126623-G-T.
Other names: short protein forms E1092*.
Identifiers: ClinVar variation 4614012 (VCV004614012.1).
Genomic context (GRCh38, chr18:31,546,660, plus strand): 5'-AGGAACACCACGGTGTCTGGAGCTGGAGTCCCTGGCCCTCTGCCAGATTTTGGTTTAGAG[G>T]AATCTGGTCATTCTAATTCTACCATAACCACATCTTCCACCAGAGTTACCAAGCATAGCA-3'